The following is an entry in ClinVar:

ClinVar aggregate classification (germline): Likely pathogenic (1 of 4 stars; one submission).

Conditions:
Immunodeficiency due to CD25 deficiency. Also called: IL2RA DEFICIENCY; CD25 DEFICIENCY; IMMUNODEFICIENCY 41 WITH LYMPHOPROLIFERATION AND AUTOIMMUNITY. Identifiers: Orphanet 169100, MedGen C1853392, MONDO:0011664, OMIM 606367.

Submission:

Labcorp Genetics (formerly Invitae), Labcorp
Classification: Likely pathogenic for Immunodeficiency due to CD25 deficiency. Last evaluated: 2025-03-12. Review status: criteria provided, single submitter. Criteria: Invitae Variant Classification Sherloc (09022015). Collection method: clinical testing. Allele origin: germline.
Comment: This sequence change affects an acceptor splice site in intron 1 of the IL2RA gene. It is expected to disrupt RNA splicing. Variants that disrupt the donor or acceptor splice site typically lead to a loss of protein function (PMID: 16199547), and loss-of-function variants in IL2RA are known to be pathogenic (PMID: 9096364, 17196245). This variant is not present in population databases (gnomAD no frequency). This variant has not been reported in the literature in individuals affected with IL2RA-related conditions. Algorithms developed to predict the effect of sequence changes on RNA splicing suggest that this variant may disrupt the consensus splice site. In summary, the currently available evidence indicates that the variant is pathogenic, but additional data are needed to prove that conclusively. Therefore, this variant has been classified as Likely Pathogenic.

Literature cited by the submitters: PubMed 16199547; PubMed 9096364; PubMed 17196245.

NM_000417.3(IL2RA):c.65-2A>G

Gene: IL2RA (interleukin 2 receptor subunit alpha; minus strand). Cytogenetic location: 10p15.1.
Variant type: single nucleotide variant.
Coding change: c.65-2A>G on transcript NM_000417.3 (MANE Select); the canonical splice acceptor site of the intron before coding-DNA position 65, A replaced by G.
Molecular consequence: splice acceptor variant.
Genome position (GRCh38, 1-based): chr10:6,026,027, T>C on the plus strand (A>G on the coding strand, the complement: IL2RA is on the minus strand). VCF-style: chr10-6026027-T-C. GRCh37 (hg19) VCF-style: chr10-6067990-T-C.
Other names: c.65-2A>G (NM_001308243.2, NM_001308242.2).
Identifiers: ClinVar variation 4714919 (VCV004714919.1).